The following is an entry in ClinVar:

NM_015102.5(NPHP4):c.1974A>C (p.Arg658=)

Gene: NPHP4 (nephrocystin 4; minus strand). Cytogenetic location: 1p36.31.
Variant type: single nucleotide variant.
Coding change: c.1974A>C on transcript NM_015102.5 (MANE Select); coding-DNA position 1974, A replaced by C.
Protein change: p.Arg658=; no amino-acid change (arginine 658 retained).
Molecular consequence: synonymous variant. On other transcripts: non-coding transcript variant (1).
Genome position (GRCh38, 1-based): chr1:5,904,786, T>G on the plus strand (A>C on the coding strand, the complement: NPHP4 is on the minus strand). VCF-style: chr1-5904786-T-G. GRCh37 (hg19) VCF-style: chr1-5964846-T-G.
Other names: c.438A>C, p.Arg146= (NM_001291594.2); c.435A>C, p.Arg145= (NM_001291593.2); c.1974A>C (NM_015102.4).
Identifiers: ClinVar variation 3644675 (VCV003644675.3).

ClinVar aggregate classification (germline): Likely benign. Review status: criteria provided, multiple submitters, no conflicts (2 of 4 stars). 2 submissions from 2 submitters: Likely benign (2). Last evaluated 2026-01-20.

Conditions:
Nephronophthisis. Also called: Juvenile Nephronophthisis. Identifiers: Orphanet 655, MedGen C0687120, MONDO:0019005, HP:0000090.
NPHP4-related disorder. Also called: NPHP4-related condition; NPHP4-related disorders. Identifiers: MedGen CN239384.

gnomAD v4.1: 2 of 1,613,908 alleles (0.00012%); highest among the groups gnomAD compares: African/African-American, 0.0027%; no homozygotes.

Submissions (2):

PreventionGenetics, part of Exact Sciences
Classification: Likely benign for NPHP4-related condition. Last evaluated: 2026-01-20. Review status: criteria provided, single submitter. Criteria: ACMG Guidelines, 2015. Collection method: clinical testing. Allele origin: germline.
Comment: This variant is classified as likely benign based on ACMG/AMP sequence variant interpretation guidelines (Richards et al. 2015 PMID: 25741868, with internal and published modifications).

Labcorp Genetics (formerly Invitae), Labcorp
Classification: Likely benign for Nephronophthisis. Last evaluated: 2024-09-24. Review status: criteria provided, single submitter. Criteria: Invitae Variant Classification Sherloc (09022015). Collection method: clinical testing. Allele origin: germline.